The following is an entry in ClinVar:

ClinVar aggregate classification (germline): Benign. Review status: criteria provided, multiple submitters, no conflicts (2 of 4 stars). 2 submissions from 2 submitters: Benign (2). Last evaluated 2018-06-16.

Allele frequency attached by ClinVar (database versions not stated): gnomAD exomes 0.00806 and 0.01790; ExAC 0.02336; gnomAD 0.06823 and 0.07225; 1000 Genomes Project 0.07815; TOPMed 0.07826; 1000 Genomes Project 30x 0.08012.
gnomAD v4.1: 15,672 of 1,072,741 alleles (1.5%); highest among the groups gnomAD compares: African/African-American, 23%; 1,158 homozygotes.

Submissions (2):

GeneDx
Classification: Benign. Last evaluated: 2018-06-16. Review status: criteria provided, single submitter. Criteria: GeneDx Variant Classification (06012015). Collection method: clinical testing. Allele origin: germline. Affected: yes.
Comment: This variant is considered likely benign or benign based on one or more of the following criteria: it is a conservative change, it occurs at a poorly conserved position in the protein, it is predicted to be benign by multiple in silico algorithms, and/or has population frequency not consistent with disease.

Breakthrough Genomics
Classification: Benign. Review status: criteria provided, single submitter. Criteria: ACMG Guidelines, 2015. Collection method: not provided. Allele origin: germline. Inheritance: X-linked inheritance. Affected: yes.

NM_001079872.2(CUL4B):c.556+301G>A

Gene: CUL4B (cullin 4B; minus strand). Cytogenetic location: Xq24.
Variant type: single nucleotide variant.
Coding change: c.556+301G>A on transcript NM_001079872.2 (MANE Select); 301 bases into the intron after coding-DNA position 556, G replaced by A.
Molecular consequence: intron variant. On other transcripts: missense variant (1).
Genome position (GRCh38, 1-based): chrX:120,559,782, C>T on the plus strand (G>A on the coding strand, the complement: CUL4B is on the minus strand). VCF-style: chrX-120559782-C-T. GRCh37 (hg19) VCF-style: chrX-119693637-C-T.
Other names: c.19G>A, p.Ala7Thr (NM_001369145.1); c.610+301G>A (NM_003588.4); c.571+301G>A (NM_001330624.2); short protein forms A7T.
Identifiers: ClinVar variation 673839 (VCV000673839.2), dbSNP rs113213082, ClinGen allele CA10505681.